The following is an entry in ClinVar:

NM_006348.5(COG5):c.538+5del

Gene: COG5 (component of oligomeric golgi complex 5; minus strand). Cytogenetic location: 7q22.3.
Variant type: Deletion.
Coding change: c.538+5del on transcript NM_006348.5 (MANE Select); 5 bases into the intron after coding-DNA position 538, one base deleted (G; older notation c.538+5delG).
Molecular consequence: intron variant.
Genome position (GRCh38, 1-based): chr7:107,527,232, C deleted on the plus strand (G on the coding strand, the reverse complement: COG5 is on the minus strand). VCF-style (leftmost placement, unchanged base first): chr7-107527231-AC-A. GRCh37 (hg19) VCF-style: chr7-107167676-AC-A.
Other names: c.234+30744del (NM_001379516.1); c.538+5del (NM_001379515.1, NM_001379511.1, NM_001379512.1 and 4 more transcripts); c.631+5delG (NM_006348.3).
Identifiers: ClinVar variation 1057383 (VCV001057383.5), dbSNP rs761862013, ClinGen allele CA4431358.

ClinVar aggregate classification (germline): Uncertain significance. Review status: criteria provided, multiple submitters, no conflicts (2 of 4 stars). 2 submissions from 2 submitters: Uncertain significance (2). Last evaluated 2022-09-14.

Conditions:
Inborn genetic diseases. Identifiers: MedGen C0950123, MeSH D030342.
COG5-congenital disorder of glycosylation. Also called: CDG IIi; CONGENITAL DISORDER OF GLYCOSYLATION, TYPE IIi; COG5-CDG. Identifiers: Orphanet 263487, MedGen C3150876, MONDO:0013325, OMIM 613612.

Allele frequency attached by ClinVar (database versions not stated): gnomAD 0.00005 and 0.00006; gnomAD exomes 0.00006; ExAC 0.00022.

Submissions (2):

Ambry Genetics
Classification: Uncertain significance for Inborn genetic diseases. Last evaluated: 2022-09-14. Review status: criteria provided, single submitter. Criteria: Ambry Variant Classification Scheme 2023. Collection method: clinical testing. Allele origin: germline.
Comment: The c.631+5delG alteration is located in Intron 6 (E) of the COG5 gene. This alteration consists of a deletion of 1 nucleotides between nucleotide positions c.6315 and c.6315 Intron 6 (E). Based on insufficient or conflicting evidence, the clinical significance of this alteration remains unclear.

Labcorp Genetics (formerly Invitae), Labcorp
Classification: Uncertain significance for COG5-congenital disorder of glycosylation. Last evaluated: 2022-09-07. Review status: criteria provided, single submitter. Criteria: Invitae Variant Classification Sherloc (09022015). Collection method: clinical testing. Allele origin: germline.
Comment: This sequence change falls in intron 6 of the COG5 gene. It does not directly change the encoded amino acid sequence of the COG5 protein. It affects a nucleotide within the consensus splice site. The frequency data for this variant in the population databases is considered unreliable, as metrics indicate poor data quality at this position in the gnomAD database. This variant has not been reported in the literature in individuals affected with COG5-related conditions. ClinVar contains an entry for this variant (Variation ID: 1057383). Variants that disrupt the consensus splice site are a relatively common cause of aberrant splicing (PMID: 17576681, 9536098). Algorithms developed to predict the effect of sequence changes on RNA splicing suggest that this variant is not likely to affect RNA splicing. In summary, the available evidence is currently insufficient to determine the role of this variant in disease. Therefore, it has been classified as a Variant of Uncertain Significance.

Literature cited by the submitters: PubMed 17576681 (cited by Labcorp Genetics (formerly Invitae), Labcorp); PubMed 9536098 (cited by Labcorp Genetics (formerly Invitae), Labcorp).